The following is an entry in ClinVar:

NM_014402.5(UQCRQ):c.134C>T (p.Ser45Phe)

Genes: UQCRQ (ubiquinol-cytochrome c reductase complex III subunit VII; plus strand), LOC126807509 (BRD4-independent group 4 enhancer GRCh37_chr5:132201613-132202812; plus strand). Cytogenetic location: 5q31.1.
Variant type: single nucleotide variant.
Coding change: c.134C>T on transcript NM_014402.5 (MANE Select); coding-DNA position 134, C replaced by T.
Protein change: p.Ser45Phe; replaces serine 45 with phenylalanine.
Molecular consequence: missense variant.
Genome position (GRCh38, 1-based): chr5:132,867,015, C>T. VCF-style: chr5-132867015-C-T. GRCh37 (hg19) VCF-style: chr5-132202707-C-T.
Other names: short protein forms S45F.
Identifiers: ClinVar variation 729 (VCV000000729.5), dbSNP rs11544803, ClinGen allele CA114461.

ClinVar aggregate classification (germline): Pathogenic/Likely pathogenic. Review status: criteria provided, multiple submitters, no conflicts (2 of 4 stars). 5 submissions from 5 submitters: Pathogenic (2); Likely pathogenic (1). 2 of the submissions do not count toward it. Last evaluated 2025-01-05.

Conditions:
Mitochondrial complex III deficiency nuclear type 4. Identifiers: MedGen C3554607, MONDO:0014065, OMIM 615159.

Allele frequency attached by ClinVar (database versions not stated): gnomAD exomes below 0.00001; ExAC 0.00001; TOPMed below 0.00001; gnomAD 0.00001.

Submissions (5):

First Genomix Gene Laboratory, Genetic Diagnostics Department
Classification: Pathogenic for Mitochondrial complex III deficiency nuclear type 4. Last evaluated: 2025-01-05. Review status: criteria provided, single submitter. Criteria: ACMG Guidelines, 2015. Collection method: clinical testing. Allele origin: germline. Inheritance: Autosomal recessive inheritance. Affected: no. Observed: 2 variant alleles.

3billion
Classification: Likely pathogenic for Mitochondrial complex III deficiency nuclear type 4. Last evaluated: 2024-10-16. Review status: criteria provided, single submitter. Criteria: ACMG Guidelines, 2015. Collection method: clinical testing. Allele origin: germline. Affected: yes.
Comment: The variant is observed at an extremely low frequency in the gnomAD v4.1.0 dataset (total allele frequency: <0.001%). Predicted Consequence/Location: Missense variant The same nucleotide change resulting in the same amino acid change has been previously reported as pathogenic/likely pathogenic with strong evidence (ClinVar ID: VCV000000729 /PMID: 18439546). The variant has been reported to be in trans with a pathogenic variant as either compound heterozygous or homozygous in at least one similarly affected unrelated individual (PMID: 18439546). Therefore, this variant is classified as Likely pathogenic according to the recommendation of ACMG/AMP guideline.

GeneDx
Classification: Pathogenic. Last evaluated: 2015-06-16. Review status: criteria provided, single submitter. Criteria: GeneDx Variant Classification (06012015). Collection method: clinical testing. Allele origin: germline. Affected: yes.
Comment: The S45F variant in the UQCRQ gene has been reported previously in the homozygous state inassociation with mitochondrial complex III deficiency (Barel et al., 2008). The S45F substitution was notobserved at any significant frequency in approximately 6,500 individuals of European and AfricanAmerican ancestry in the NHLBI Exome Sequencing Project, indicating it is not a common benign variantin these populations. The S45F variant is a non-conservative amino acid substitution that is not conservedacross species. In silico analysis predicts this variant is probably damaging to the proteinstructure/function. We interpret S45F as a pathogenic variant.

OMIM
Classification: Pathogenic for MITOCHONDRIAL COMPLEX III DEFICIENCY, NUCLEAR TYPE 4. Last evaluated: 2008-05-01. Review status: no assertion criteria provided. Collection method: literature only. Allele origin: germline. Not counted in ClinVar's aggregate classification.

Revvity Omics, Revvity
Classification: Uncertain significance for Mitochondrial complex III deficiency nuclear type 4. Last evaluated: 2024-11-14. Review status: flagged submission. Criteria: ACMG Guidelines, 2015. Collection method: clinical testing. Allele origin: germline. Not counted in ClinVar's aggregate classification.
ClinVar note: Reason: Outlier claim with insufficient supporting evidence

Literature cited by the submitters: PubMed 18439546 (cited by 3billion and OMIM).